The following is an entry in ClinVar:

NM_001127208.3(TET2):c.5791G>A (p.Glu1931Lys)

Genes: TET2 (tet methylcytosine dioxygenase 2; plus strand), TET2-AS1 (TET2 antisense RNA 1; minus strand). Cytogenetic location: 4q24.
Variant type: single nucleotide variant.
Coding change: c.5791G>A on transcript NM_001127208.3 (MANE Select); coding-DNA position 5791, G replaced by A.
Protein change: p.Glu1931Lys; replaces glutamic acid 1931 with lysine.
Molecular consequence: missense variant.
Genome position (GRCh38, 1-based): chr4:105,276,301, G>A. VCF-style: chr4-105276301-G-A. GRCh37 (hg19) VCF-style: chr4-106197458-G-A.
Other names: short protein forms E1931K.
Identifiers: ClinVar variation 2984265 (VCV002984265.2), dbSNP rs1470358274, ClinGen allele CA357796556.

ClinVar aggregate classification (germline): Uncertain significance (1 of 4 stars; one submission).

Allele frequency attached by ClinVar (database versions not stated): gnomAD 0.00001; TOPMed 0.00002.
gnomAD v4.1: 1 of 1,551,586 alleles (0.000064%); highest among the groups gnomAD compares: Non-Finnish European, 0.000087%; no homozygotes.

Submission:

Labcorp Genetics (formerly Invitae), Labcorp
Classification: Uncertain significance. Last evaluated: 2023-06-05. Review status: criteria provided, single submitter. Criteria: Invitae Variant Classification Sherloc (09022015). Collection method: clinical testing. Allele origin: germline.
Comment: In summary, the available evidence is currently insufficient to determine the role of this variant in disease. Therefore, it has been classified as a Variant of Uncertain Significance. An algorithm developed to predict the effect of missense changes on protein structure and function (PolyPhen-2) suggests that this variant is likely to be disruptive. This variant has not been reported in the literature in individuals affected with TET2-related conditions. This variant is not present in population databases (gnomAD no frequency). This sequence change replaces glutamic acid, which is acidic and polar, with lysine, which is basic and polar, at codon 1931 of the TET2 protein (p.Glu1931Lys).